The following is an entry in ClinVar:

NM_005215.4(DCC):c.1975A>G (p.Lys659Glu)

Gene: DCC (DCC netrin 1 receptor; plus strand). Cytogenetic location: 18q21.2.
Variant type: single nucleotide variant.
Coding change: c.1975A>G on transcript NM_005215.4 (MANE Select); coding-DNA position 1975, A replaced by G.
Protein change: p.Lys659Glu; replaces lysine 659 with glutamic acid.
Molecular consequence: missense variant.
Genome position (GRCh38, 1-based): chr18:53,305,641, A>G. VCF-style: chr18-53305641-A-G. GRCh37 (hg19) VCF-style: chr18-50832011-A-G.
Other names: short protein forms K659E.
Identifiers: ClinVar variation 3375159 (VCV003375159.1).

ClinVar aggregate classification (germline): Uncertain significance (1 of 4 stars; one submission).

gnomAD v4.1: 2 of 1,613,772 alleles (0.00012%); highest among the groups gnomAD compares: African/African-American, 0.0027%; no homozygotes.

Submission:

Women's Health and Genetics/Laboratory Corporation of America, LabCorp
Classification: Uncertain significance. Last evaluated: 2024-09-27. Review status: criteria provided, single submitter. Criteria: LabCorp Variant Classification Summary - May 2015. Collection method: clinical testing. Allele origin: germline.
Comment: Variant summary: DCC c.1975A>G (p.Lys659Glu) results in a conservative amino acid change located in the Fibronectin type III domain (IPR003961) of the encoded protein sequence. Three of five in-silico tools predict a damaging effect of the variant on protein function. The variant was absent in 251276 control chromosomes (gnomAD). The available data on variant occurrences in the general population are insufficient to allow any conclusion about variant significance. To our knowledge, no occurrence of c.1975A>G in individuals affected with Mirror Movements 1 and no experimental evidence demonstrating its impact on protein function have been reported. No submitters have cited clinical-significance assessments for this variant to ClinVar. Based on the evidence outlined above, the variant was classified as uncertain significance.